The following is an entry in ClinVar:

ClinVar aggregate classification (germline): Likely benign (1 of 4 stars; one submission).

Allele frequency attached by ClinVar (database versions not stated): 1000 Genomes Project 0.00479; 1000 Genomes Project 30x 0.00500; TOPMed 0.00505; ExAC 0.00540; ESP Exome Variant Server 0.00546; gnomAD 0.00571; gnomAD exomes 0.00650.
gnomAD v4.1: 10,269 of 1,608,434 alleles (0.64%); highest among the groups gnomAD compares: Non-Finnish European, 0.73%; 35 homozygotes.

Submission:

CeGaT Center for Human Genetics Tuebingen
Classification: Likely benign. Last evaluated: 2023-01-01. Review status: criteria provided, single submitter. Criteria: CeGaT Center For Human Genetics Tuebingen Variant Classification Criteria Version 2. Collection method: clinical testing. Allele origin: germline. Affected: yes. Observed: 1 variant allele.
Comment: IQGAP3: BP4, BS2

NM_178229.5(IQGAP3):c.4205A>G (p.Lys1402Arg)

Gene: IQGAP3 (IQ motif containing GTPase activating protein 3; minus strand). Cytogenetic location: 1q22.
Variant type: single nucleotide variant.
Coding change: c.4205A>G on transcript NM_178229.5 (MANE Select); coding-DNA position 4205, A replaced by G.
Protein change: p.Lys1402Arg; replaces lysine 1402 with arginine.
Molecular consequence: missense variant.
Genome position (GRCh38, 1-based): chr1:156,530,304, T>C on the plus strand (A>G on the coding strand, the complement: IQGAP3 is on the minus strand). VCF-style: chr1-156530304-T-C. GRCh37 (hg19) VCF-style: chr1-156500096-T-C.
Other names: short protein forms K1402R.
Identifiers: ClinVar variation 2639452 (VCV002639452.24), dbSNP rs115742679, ClinGen allele CA1160767.
Genomic context (GRCh38, chr1:156,530,304, plus strand): 5'-TGTCGTCGCAGTGGCTCCGGTGTCTGGGCTGTACAGGCCTGGCGTCGGCTCATCAGCTGC[T>C]TGTGGGCTGCTTCCTGGGGACACACAGACGCTGGAGGGGTCTACCAGGTCCTACCATTCT-3'
Protein context (NP_839943.3, residues 1392-1412): SASREQEAAH[Lys1402Arg]QLMSRRQACT